The following is an entry in ClinVar:

ClinVar aggregate classification (germline): Uncertain significance (1 of 4 stars; one submission).

Allele frequency attached by ClinVar (database versions not stated): gnomAD exomes below 0.00001; ExAC 0.00001; TOPMed 0.00002.

Submission:

Labcorp Genetics (formerly Invitae), Labcorp
Classification: Uncertain significance. Last evaluated: 2024-11-11. Review status: criteria provided, single submitter. Criteria: Invitae Variant Classification Sherloc (09022015). Collection method: clinical testing. Allele origin: germline.
Comment: This sequence change replaces arginine, which is basic and polar, with histidine, which is basic and polar, at codon 282 of the BMP2 protein (p.Arg282His). This variant is present in population databases (rs773630680, gnomAD 0.0009%). This variant has not been reported in the literature in individuals affected with BMP2-related conditions. ClinVar contains an entry for this variant (Variation ID: 2183708). An algorithm developed to predict the effect of missense changes on protein structure and function (PolyPhen-2) suggests that this variant is likely to be disruptive. In summary, the available evidence is currently insufficient to determine the role of this variant in disease. Therefore, it has been classified as a Variant of Uncertain Significance.

NM_001200.4(BMP2):c.845G>A (p.Arg282His)

Gene: BMP2 (bone morphogenetic protein 2; plus strand). Cytogenetic location: 20p12.3.
Variant type: single nucleotide variant.
Coding change: c.845G>A on transcript NM_001200.4 (MANE Select); coding-DNA position 845, G replaced by A.
Protein change: p.Arg282His; replaces arginine 282 with histidine.
Molecular consequence: missense variant.
Genome position (GRCh38, 1-based): chr20:6,778,743, G>A. VCF-style: chr20-6778743-G-A. GRCh37 (hg19) VCF-style: chr20-6759390-G-A.
Other names: short protein forms R282H.
Identifiers: ClinVar variation 2183708 (VCV002183708.4), dbSNP rs773630680, ClinGen allele CA9758753.